The following is an entry in ClinVar:

ClinVar aggregate classification (germline): Uncertain significance (1 of 4 stars; one submission).

Conditions:
Hereditary cancer-predisposing syndrome. Also called: Neoplastic Syndromes, Hereditary; Tumor predisposition; Hereditary neoplastic syndrome; Hereditary Cancer Syndrome. Identifiers: Orphanet 140162, MedGen C0027672, MeSH D009386, MONDO:0015356.

Submission:

Ambry Genetics
Classification: Uncertain significance for Hereditary cancer-predisposing syndrome. Last evaluated: 2024-03-02. Review status: criteria provided, single submitter. Criteria: Ambry Variant Classification Scheme 2023. Collection method: clinical testing. Allele origin: germline.
Comment: The p.E731D variant (also known as c.2193A>C), located in coding exon 15 of the TSC1 gene, results from an A to C substitution at nucleotide position 2193. The glutamic acid at codon 731 is replaced by aspartic acid, an amino acid with highly similar properties. This amino acid position is conserved. In addition, the in silico prediction for this alteration is inconclusive. Based on the available evidence, the clinical significance of this alteration remains unclear.

NM_000368.5(TSC1):c.2193A>C (p.Glu731Asp)

Gene: TSC1 (TSC complex subunit 1; minus strand). Cytogenetic location: 9q34.13.
Variant type: single nucleotide variant.
Coding change: c.2193A>C on transcript NM_000368.5 (MANE Select); coding-DNA position 2193, A replaced by C.
Protein change: p.Glu731Asp; replaces glutamic acid 731 with aspartic acid.
Molecular consequence: missense variant. On other transcripts: non-coding transcript variant (4).
Genome position (GRCh38, 1-based): chr9:132,903,666, T>G on the plus strand (A>C on the coding strand, the complement: TSC1 is on the minus strand). VCF-style: chr9-132903666-T-G. GRCh37 (hg19) VCF-style: chr9-135779053-T-G.
Other names: c.2190A>C, p.Glu730Asp (NM_001162426.2, NM_001406597.1, NM_001406598.1 and 4 more transcripts); c.2040A>C, p.Glu680Asp (NM_001162427.2, NM_001406610.1); c.1830A>C, p.Glu610Asp (NM_001362177.2, NM_001406614.1, NM_001406615.1 and 5 more transcripts); c.2193A>C, p.Glu731Asp (NM_001406592.1, NM_001406593.1, NM_001406594.1 and 5 more transcripts); c.2178A>C, p.Glu726Asp (NM_001406601.1, NM_001406602.1); c.2175A>C, p.Glu725Asp (NM_001406603.1, NM_001406604.1); c.2037A>C, p.Glu679Asp (NM_001406611.1, NM_001406612.1, NM_001406613.1); c.1827A>C, p.Glu609Asp (NM_001406620.1, NM_001406621.1, NM_001406622.1 and 2 more transcripts); and 3 more; short protein forms E380D, E413D, E414D, E609D, E610D, E679D, E680D, E725D.
Identifiers: ClinVar variation 3231294 (VCV003231294.1), dbSNP rs2131757603, ClinGen allele CA375360642.